The following is an entry in ClinVar:

ClinVar aggregate classification (germline): Benign (1 of 4 stars; one submission).

Conditions:
Melanoma, cutaneous malignant, susceptibility to, 5. Also called: Cutaneous malignant melanoma 5. Identifiers: Orphanet 618, MedGen C2751295, MONDO:0013133, OMIM 613099.

Allele frequency attached by ClinVar (database versions not stated): gnomAD exomes 0.00081; gnomAD 0.00439 and 0.00463; TOPMed 0.00487; 1000 Genomes Project 0.00579; 1000 Genomes Project 30x 0.00625.

Submission:

Illumina Laboratory Services, Illumina
Classification: Benign for Melanoma, cutaneous malignant, susceptibility to, 5. Last evaluated: 2018-01-13. Review status: criteria provided, single submitter. Criteria: ICSL Variant Classification Criteria 13 December 2019. Collection method: clinical testing. Allele origin: germline.
Comment: This variant was observed in the ICSL laboratory as part of a predisposition screen in an ostensibly healthy population. It had not been previously curated by ICSL or reported in the Human Gene Mutation Database (HGMD: prior to June 1st, 2018), and was therefore a candidate for classification through an automated scoring system. Utilizing variant allele frequency, disease prevalence and penetrance estimates, and inheritance mode, an automated score was calculated to assess if this variant is too frequent to cause the disease. Based on the score and internal cut-off values, a variant classified as benign is not then subjected to further curation. The score for this variant resulted in a classification of benign for this disease.

NM_002386.3(MC1R):c.-450C>T

Gene: MC1R (melanocortin 1 receptor; plus strand). Cytogenetic location: 16q24.3.
Variant type: single nucleotide variant.
Coding change: c.-450C>T on transcript NM_002386.3; 450 bases upstream of the start codon, C replaced by T.
Genome position (GRCh38, 1-based): chr16:89,918,809, C>T. VCF-style: chr16-89918809-C-T. GRCh37 (hg19) VCF-style: chr16-89985217-C-T.
Identifiers: ClinVar variation 886627 (VCV000886627.6), dbSNP rs3212360, ClinGen allele CA286607177.